The following is an entry in ClinVar:

NM_006031.6(PCNT):c.1282G>A (p.Gly428Ser)

Gene: PCNT (pericentrin; plus strand). Cytogenetic location: 21q22.3.
Variant type: single nucleotide variant.
Coding change: c.1282G>A on transcript NM_006031.6 (MANE Select); coding-DNA position 1282, G replaced by A.
Protein change: p.Gly428Ser; replaces glycine 428 with serine.
Molecular consequence: missense variant.
Genome position (GRCh38, 1-based): chr21:46,349,758, G>A. VCF-style: chr21-46349758-G-A. GRCh37 (hg19) VCF-style: chr21-47769672-G-A.
Other names: c.928G>A, p.Gly310Ser (NM_001315529.2); c.1282G>A (NM_006031.5); short protein forms G310S, G428S.
Identifiers: ClinVar variation 4771791 (VCV004771791.2).

ClinVar aggregate classification (germline): Uncertain significance. Review status: criteria provided, multiple submitters, no conflicts (2 of 4 stars). 2 submissions from 2 submitters: Uncertain significance (2). Last evaluated 2026-09-15.

Conditions:
PCNT-related disorder. Also called: PCNT-related condition.

gnomAD v4.1: 12 of 1,613,930 alleles (0.00074%); highest among the groups gnomAD compares: African/African-American, 0.0027%; no homozygotes.

Submissions (2):

PreventionGenetics, part of Exact Sciences
Classification: Uncertain significance for PCNT-related condition. Last evaluated: 2026-09-15. Review status: criteria provided, single submitter. Criteria: ACMG Guidelines, 2015. Collection method: clinical testing. Allele origin: germline.
Comment: The PCNT c.1282G>A variant is predicted to result in the amino acid substitution p.Gly428Ser. To our knowledge, this variant has not been reported in the literature. This variant is reported in 0.0033% of alleles in individuals of South Asian descent in gnomAD. At this time, the clinical significance of this variant is uncertain due to the absence of conclusive functional and genetic evidence.

Labcorp Genetics (formerly Invitae), Labcorp
Classification: Uncertain significance. Last evaluated: 2025-10-29. Review status: criteria provided, single submitter. Criteria: Invitae Variant Classification Sherloc (09022015). Collection method: clinical testing. Allele origin: germline.
Comment: This sequence change replaces glycine, which is neutral and non-polar, with serine, which is neutral and polar, at codon 428 of the PCNT protein (p.Gly428Ser). This variant is present in population databases (no rsID available, gnomAD 0.003%). This variant has not been reported in the literature in individuals affected with PCNT-related conditions. An algorithm developed to predict the effect of missense changes on protein structure and function (PolyPhen-2) suggests that this variant is likely to be tolerated. In summary, the available evidence is currently insufficient to determine the role of this variant in disease. Therefore, it has been classified as a Variant of Uncertain Significance.